The following is an entry in ClinVar:

ClinVar aggregate classification (germline): Uncertain significance (1 of 4 stars; one submission).

Conditions:
Shprintzen-Goldberg syndrome (SGS). Also called: Marfanoid disorder with craniosynostosis type 1; Marfanoid craniosynostosis syndrome; Shprintzen-Goldberg marfanoid syndrome; SHPRINTZEN-GOLDBERG CRANIOSYNOSTOSIS SYNDROME; CRANIOSYNOSTOSIS WITH ARACHNODACTYLY AND ABDOMINAL HERNIAS. Identifiers: Orphanet 2462, MedGen C1321551, MONDO:0008426, OMIM 182212.

Submission:

Labcorp Genetics (formerly Invitae), Labcorp
Classification: Uncertain significance for Shprintzen-Goldberg syndrome. Last evaluated: 2025-09-28. Review status: criteria provided, single submitter. Criteria: Invitae Variant Classification Sherloc (09022015). Collection method: clinical testing. Allele origin: germline.
Comment: This sequence change replaces arginine, which is basic and polar, with glutamine, which is neutral and polar, at codon 639 of the SKI protein (p.Arg639Gln). This variant is not present in population databases (gnomAD no frequency). This variant has not been reported in the literature in individuals affected with SKI-related conditions. Invitae Evidence Modeling of protein sequence and biophysical properties (such as structural, functional, and spatial information, amino acid conservation, physicochemical variation, residue mobility, and thermodynamic stability) has been performed for this missense variant. However, the output from this modeling did not meet the statistical confidence thresholds required to predict the impact of this variant on SKI protein function. In summary, the available evidence is currently insufficient to determine the role of this variant in disease. Therefore, it has been classified as a Variant of Uncertain Significance.

NM_003036.4(SKI):c.1916G>A (p.Arg639Gln)

Gene: SKI (SKI proto-oncogene; plus strand). Cytogenetic location: 1p36.32.
Variant type: single nucleotide variant.
Coding change: c.1916G>A on transcript NM_003036.4 (MANE Select); coding-DNA position 1916, G replaced by A.
Protein change: p.Arg639Gln; replaces arginine 639 with glutamine.
Molecular consequence: missense variant.
Genome position (GRCh38, 1-based): chr1:2,306,168, G>A. VCF-style: chr1-2306168-G-A. GRCh37 (hg19) VCF-style: chr1-2237607-G-A.
Other names: short protein forms R639Q.
Identifiers: ClinVar variation 4742005 (VCV004742005.1).